The following is an entry in ClinVar:

NM_007118.4(TRIO):c.2019A>T (p.Ser673=)

Gene: TRIO (trio Rho guanine nucleotide exchange factor; plus strand). Cytogenetic location: 5p15.2.
Variant type: single nucleotide variant.
Coding change: c.2019A>T on transcript NM_007118.4 (MANE Select); coding-DNA position 2019, A replaced by T.
Protein change: p.Ser673=; no amino-acid change (serine 673 retained).
Molecular consequence: synonymous variant. On other transcripts: non-coding transcript variant (1).
Genome position (GRCh38, 1-based): chr5:14,336,700, A>T. VCF-style: chr5-14336700-A-T. GRCh37 (hg19) VCF-style: chr5-14336809-A-T.
Other names: c.2019A>T (NM_007118.3).
Identifiers: ClinVar variation 1218706 (VCV001218706.5), dbSNP rs199909638, ClinGen allele CA3205765.
Genomic context (GRCh38, chr5:14,336,700, plus strand): 5'-AGACCGGATTCAAGATTTCGTTCGGCGTGTTGAGCAGCGAAAGATCCTACTGGACATGTC[A>T]GTGTCCTTTCACACCCATGTGAAAGAGGTAAGGTGCCAGGAGACCAAAATATGATCTGTG-3'
Protein context (NP_009049.2, residues 663-683): VEQRKILLDM[Ser673=]VSFHTHVKEL

ClinVar aggregate classification (germline): Likely benign. Review status: criteria provided, single submitter (1 of 4 stars). 2 submissions from 2 submitters: Likely benign (1). 1 of the submissions does not count toward it. Last evaluated 2020-01-28.

Conditions:
TRIO-related disorder. Also called: TRIO-related disorders; TRIO-related condition.

Allele frequency attached by ClinVar (database versions not stated): ExAC 0.00002; ESP Exome Variant Server 0.00008; 1000 Genomes Project 0.00020; 1000 Genomes Project 30x 0.00031; TOPMed 0.00036.
gnomAD v4.1: 43 of 1,614,230 alleles (0.0027%); highest among the groups gnomAD compares: Admixed American, 0.06%; no homozygotes.

Submissions (2):

GeneDx
Classification: Likely benign. Last evaluated: 2020-01-28. Review status: criteria provided, single submitter. Criteria: GeneDx Variant Classification Process June 2021. Collection method: clinical testing. Allele origin: germline. Affected: yes.

PreventionGenetics, part of Exact Sciences
Classification: Likely benign for TRIO-related condition. Last evaluated: 2019-06-20. Review status: no assertion criteria provided. Collection method: clinical testing. Allele origin: germline. Not counted in ClinVar's aggregate classification.
Comment: This variant is classified as likely benign based on ACMG/AMP sequence variant interpretation guidelines (Richards et al. 2015 PMID: 25741868, with internal and published modifications).